The following is an entry in ClinVar:

NM_001267550.2(TTN):c.26318A>C (p.Lys8773Thr)

Gene: TTN (titin; minus strand). Cytogenetic location: 2q31.2.
Variant type: single nucleotide variant.
Coding change: c.26318A>C on transcript NM_001267550.2 (MANE Select); coding-DNA position 26318, A replaced by C.
Protein change: p.Lys8773Thr; replaces lysine 8773 with threonine.
Molecular consequence: missense variant. On other transcripts: intron variant (3).
Genome position (GRCh38, 1-based): chr2:178,714,456, T>G on the plus strand (A>C on the coding strand, the complement: TTN is on the minus strand). VCF-style: chr2-178714456-T-G. GRCh37 (hg19) VCF-style: chr2-179579183-T-G.
Other names: c.13858+23626A>C (NM_133437.4); c.13657+23626A>C (NM_133432.3); c.25367A>C, p.Lys8456Thr (NM_001256850.1); c.22586A>C, p.Lys7529Thr (NM_133378.4); c.13282+23626A>C (NM_003319.4); short protein forms K7529T, K8456T, K8773T.
Identifiers: ClinVar variation 1172852 (VCV001172852.1), dbSNP rs2154297202, ClinGen allele CA349471223.
Genomic context (GRCh38, chr2:178,714,456, plus strand): 5'-GTTGCAATGTTTTCTGAATAAGAAATCCATATGTTGTCACTTTCTCTAACGATTTCTCCC[T>G]TATCTTTGAACCACACCACTGAAATGGGTTCAGCGCCTTCAATGGTAGTCTGCAGCTGAA-3'
Protein context (NP_001254479.2, residues 8763-8783): EPISVVWFKD[Lys8773Thr]GEIVRESDNI

ClinVar aggregate classification (germline): Uncertain significance (1 of 4 stars; one submission).

Submission:

Women's Health and Genetics/Laboratory Corporation of America, LabCorp
Classification: Uncertain significance. Last evaluated: 2021-06-01. Review status: criteria provided, single submitter. Criteria: LabCorp Variant Classification Summary - May 2015. Collection method: clinical testing. Allele origin: germline.
Comment: Variant summary: TTN c.22586A>C (p.Lys7529Thr) results in a non-conservative amino acid change located in the I-band region of the encoded protein sequence. Three of five in-silico tools predict a benign effect of the variant on protein function. The variant was absent in 247888 control chromosomes (gnomAD). The available data on variant occurrences in the general population are insufficient to allow any conclusion about variant significance. To our knowledge, no occurrence of c.22586A>C in individuals affected with Dilated Cardiomyopathy and no experimental evidence demonstrating its impact on protein function have been reported. No clinical diagnostic laboratories have submitted clinical-significance assessments for this variant to ClinVar after 2014. Based on the evidence outlined above, the variant was classified as uncertain significance.